The following is an entry in ClinVar:

ClinVar aggregate classification (germline): Uncertain significance (1 of 4 stars; one submission).

Conditions:
Fanconi anemia complementation group J. Also called: BRIP1-Related Fanconi Anemia. Identifiers: Orphanet 84, MedGen C1836860, MONDO:0012187, OMIM 609054.
Familial cancer of breast. Also called: Hereditary breast cancer; hereditary breast carcinoma; BREAST CANCER, FAMILIAL. Identifiers: Orphanet 227535, MedGen C0346153, MONDO:0016419, OMIM 114480. Disease mechanism: loss of function.

Submission:

Labcorp Genetics (formerly Invitae), Labcorp
Classification: Uncertain significance for Familial cancer of breast; Fanconi anemia complementation group J. Last evaluated: 2025-07-25. Review status: criteria provided, single submitter. Criteria: Invitae Variant Classification Sherloc (09022015). Collection method: clinical testing. Allele origin: germline.
Comment: This sequence change replaces glutamine, which is neutral and polar, with leucine, which is neutral and non-polar, at codon 168 of the BRIP1 protein (p.Gln168Leu). This variant is not present in population databases (gnomAD no frequency). This variant has not been reported in the literature in individuals affected with BRIP1-related conditions. Invitae Evidence Modeling of protein sequence and biophysical properties (such as structural, functional, and spatial information, amino acid conservation, physicochemical variation, residue mobility, and thermodynamic stability) indicates that this missense variant is not expected to disrupt BRIP1 protein function with a negative predictive value of 95%. In summary, the available evidence is currently insufficient to determine the role of this variant in disease. Therefore, it has been classified as a Variant of Uncertain Significance.

NM_032043.3(BRIP1):c.503A>T (p.Gln168Leu)

Gene: BRIP1 (BRCA1 interacting DNA helicase 1; minus strand). Cytogenetic location: 17q23.2.
Variant type: single nucleotide variant.
Coding change: c.503A>T on transcript NM_032043.3 (MANE Select); coding-DNA position 503, A replaced by T.
Protein change: p.Gln168Leu; replaces glutamine 168 with leucine.
Molecular consequence: missense variant.
Genome position (GRCh38, 1-based): chr17:61,849,133, T>A on the plus strand (A>T on the coding strand, the complement: BRIP1 is on the minus strand). VCF-style: chr17-61849133-T-A. GRCh37 (hg19) VCF-style: chr17-59926494-T-A.
Other names: short protein forms Q168L.
Identifiers: ClinVar variation 4783576 (VCV004783576.1).